The following is an entry in ClinVar:

NM_002303.6(LEPR):c.1990T>A (p.Trp664Arg)

Gene: LEPR (leptin receptor; plus strand). Cytogenetic location: 1p31.3.
Variant type: single nucleotide variant.
Coding change: c.1990T>A on transcript NM_002303.6 (MANE Select); coding-DNA position 1990, T replaced by A.
Protein change: p.Trp664Arg; replaces tryptophan 664 with arginine.
Molecular consequence: missense variant.
Genome position (GRCh38, 1-based): chr1:65,610,291, T>A. VCF-style: chr1-65610291-T-A. GRCh37 (hg19) VCF-style: chr1-66075974-T-A.
Other names: c.1990T>A, p.Trp664Arg (NM_001003679.3, NM_001003680.3, NM_001198687.2 and 2 more transcripts); short protein forms W664R.
Identifiers: ClinVar variation 3351054 (VCV003351054.3).

ClinVar aggregate classification (germline): Pathogenic/Likely pathogenic. Review status: criteria provided, multiple submitters, no conflicts (2 of 4 stars). 2 submissions from 2 submitters: Pathogenic (1); Likely pathogenic (1). Last evaluated 2026-08-27.

Conditions:
LEPR-related disorder. Also called: LEPR-related disorders; LEPR-related condition.

gnomAD v4.1: 17 of 1,609,794 alleles (0.0011%); highest among the groups gnomAD compares: African/African-American, 0.0013%; no homozygotes.

Submissions (2):

PreventionGenetics, part of Exact Sciences
Classification: Likely pathogenic for LEPR-related condition. Last evaluated: 2026-08-27. Review status: criteria provided, single submitter. Criteria: ACMG Guidelines, 2015. Collection method: clinical testing. Allele origin: germline.
Comment: The LEPR c.1990T>A variant is predicted to result in the amino acid substitution p.Trp664Arg. This variant has been reported in the homozygous and compound heterozygous states in individuals with severe early onset obesity (Farooqi et al. 2007. PubMed ID: 17229951; Voigtmann et al. 2021. PubMed ID: 33221380; Table S7, Stranneheim et al. 2021. PubMed ID: 33726816). Functional studies found the p.Trp664Arg results in reduced leptin-induced STAT3-phosphorylation (Farooqi et al. 2007. PubMed ID: 17229951; Kimber et al. 2008. PubMed ID: 18703626; Voigtmann et al. 2021. PubMed ID: 33221380). This variant is reported in 0.0053% of alleles in individuals of European (Non-Finnish) descent in gnomAD. This variant is interpreted as likely pathogenic.

Blueprint Genetics
Classification: Pathogenic for LEPR-related disorders. Last evaluated: 2024-09-30. Review status: criteria provided, single submitter. Criteria: ACMG Guidelines, 2015. Collection method: clinical testing. Allele origin: germline. Affected: yes. Observed: 2 variant alleles.